The following is an entry in ClinVar:

NM_000334.4(SCN4A):c.501del (p.Tyr168fs)

Gene: SCN4A (sodium voltage-gated channel alpha subunit 4; minus strand). Cytogenetic location: 17q23.3.
Variant type: Deletion.
Coding change: c.501del on transcript NM_000334.4 (MANE Select); coding-DNA position 501, one base deleted (C; older notation c.501delC).
Protein change: p.Tyr168fs; shifts the reading frame from tyrosine 168.
Molecular consequence: frameshift variant.
Genome position (GRCh38, 1-based): chr17:63,971,832, G deleted on the plus strand (C on the coding strand, the reverse complement: SCN4A is on the minus strand). VCF-style (leftmost placement, unchanged base first): chr17-63971831-AG-A. GRCh37 (hg19) VCF-style: chr17-62049191-AG-A.
Other names: short protein forms Y168fs.
Identifiers: ClinVar variation 3707358 (VCV003707358.2).

ClinVar aggregate classification (germline): Pathogenic (1 of 4 stars; one submission).

Conditions:
Hyperkalemic periodic paralysis. Also called: Familial hyperkalemic periodic paralysis; Gamstorp disease. Identifiers: Orphanet 682, MedGen C0238357, MONDO:0008224, OMIM 170500, HP:0007215.

Submission:

Labcorp Genetics (formerly Invitae), Labcorp
Classification: Pathogenic for Hyperkalemic periodic paralysis. Last evaluated: 2024-10-26. Review status: criteria provided, single submitter. Criteria: Invitae Variant Classification Sherloc (09022015). Collection method: clinical testing. Allele origin: germline.
Comment: This sequence change creates a premature translational stop signal (p.Tyr168Thrfs*35) in the SCN4A gene. It is expected to result in an absent or disrupted protein product. Loss-of-function variants in SCN4A are known to be pathogenic (PMID: 26700687). This variant is not present in population databases (gnomAD no frequency). This variant has not been reported in the literature in individuals affected with SCN4A-related conditions. For these reasons, this variant has been classified as Pathogenic.

Literature cited by the submitters: PubMed 26700687.